The following is an entry in ClinVar:

NM_000393.5(COL5A2):c.1765C>T (p.Pro589Ser)

Gene: COL5A2 (collagen type V alpha 2 chain; minus strand). Cytogenetic location: 2q32.2.
Variant type: single nucleotide variant.
Coding change: c.1765C>T on transcript NM_000393.5 (MANE Select); coding-DNA position 1765, C replaced by T.
Protein change: p.Pro589Ser; replaces proline 589 with serine.
Molecular consequence: missense variant.
Genome position (GRCh38, 1-based): chr2:189,063,985, G>A on the plus strand (C>T on the coding strand, the complement: COL5A2 is on the minus strand). VCF-style: chr2-189063985-G-A. GRCh37 (hg19) VCF-style: chr2-189928711-G-A.
Other names: c.1765C>T (NM_000393.4); short protein forms P589S.
Identifiers: ClinVar variation 965835 (VCV000965835.16), dbSNP rs544303636, ClinGen allele CA2022588.

ClinVar aggregate classification (germline): Conflicting classifications of pathogenicity. Review status: criteria provided, conflicting classifications (1 of 4 stars). 5 submissions from 5 submitters: Uncertain significance (4); Likely benign (1). Last evaluated 2025-10-21.

Conditions:
Ehlers-Danlos syndrome, classic type, 1 (EDSCL1). Also called: Ehlers-Danlos syndrome, type 1; EHLERS-DANLOS SYNDROME, GRAVIS TYPE; EHLERS-DANLOS SYNDROME, SEVERE CLASSIC TYPE; EDS I; Ehlers-Danlos Syndrome, Classic Type, COL5A1-Related. Identifiers: MedGen C0268335, MONDO:0019567, OMIM 130000.
Familial thoracic aortic aneurysm and aortic dissection (TAAD). Also called: Thoracic aortic aneurysms and dissections. Identifiers: Orphanet 91387, MedGen C4707243, MONDO:0019625.
COL5A2-related disorder. Also called: COL5A2-related condition.
Ehlers-Danlos syndrome (EDS). Identifiers: Orphanet 98249, MedGen C0013720, MONDO:0020066.

Allele frequency attached by ClinVar (database versions not stated): 1000 Genomes Project 30x 0.00016; gnomAD 0.00001 and 0.00003; ExAC 0.00002; gnomAD exomes 0.00002; TOPMed 0.00002; 1000 Genomes Project 0.00020.
gnomAD v4.1: 29 of 1,612,582 alleles (0.0018%); highest among the groups gnomAD compares: Admixed American, 0.0033%; no homozygotes.

Submissions (5):

Labcorp Genetics (formerly Invitae), Labcorp
Classification: Likely benign for Ehlers-Danlos syndrome, classic type, 1. Last evaluated: 2025-10-21. Review status: criteria provided, single submitter. Criteria: Invitae Variant Classification Sherloc (09022015). Collection method: clinical testing. Allele origin: germline.

Ambry Genetics
Classification: Uncertain significance for Familial thoracic aortic aneurysm and aortic dissection. Last evaluated: 2024-11-05. Review status: criteria provided, single submitter. Criteria: Ambry Variant Classification Scheme 2023. Collection method: clinical testing. Allele origin: germline.
Comment: The p.P589S variant (also known as c.1765C>T), located in coding exon 26 of the COL5A2 gene, results from a C to T substitution at nucleotide position 1765. The proline at codon 589 is replaced by serine, an amino acid with similar properties. This amino acid position is highly conserved in available vertebrate species. In addition, the in silico prediction for this alteration is inconclusive. Based on the available evidence, the clinical significance of this variant remains unclear.

PreventionGenetics, part of Exact Sciences
Classification: Uncertain significance for COL5A2-related condition. Last evaluated: 2023-03-24. Review status: criteria provided, single submitter. Criteria: ACMG Guidelines, 2015. Collection method: clinical testing. Allele origin: germline.
Comment: The COL5A2 c.1765C>T variant is predicted to result in the amino acid substitution p.Pro589Ser. To our knowledge, this variant has not been reported in the literature. This variant is reported in 0.0062% of alleles in individuals of African descent in gnomAD. At this time, the clinical significance of this variant is uncertain due to the absence of conclusive functional and genetic evidence.

GeneDx
Classification: Uncertain significance. Last evaluated: 2020-09-22. Review status: criteria provided, single submitter. Criteria: GeneDx Variant Classification Process June 2021. Collection method: clinical testing. Allele origin: germline. Affected: yes.
Comment: Has not been previously published as pathogenic or benign to our knowledge; Reported in ClinVar as a variant of uncertain significance (ClinVar Variant ID# 965835; Landrum et al., 2016); In silico analysis supports that this missense variant has a deleterious effect on protein structure/function

Genome Diagnostics Laboratory, The Hospital for Sick Children
Classification: Uncertain significance for Ehlers-Danlos syndrome. Last evaluated: 2018-12-01. Review status: criteria provided, single submitter. Criteria: ACMG Guidelines, 2015. Collection method: clinical testing. Allele origin: germline.